The following is an entry in ClinVar:

NM_001148.6(ANK2):c.9180A>G (p.Lys3060=)

Gene: ANK2 (ankyrin 2; plus strand). Cytogenetic location: 4q26.
Variant type: single nucleotide variant.
Coding change: c.9180A>G on transcript NM_001148.6 (MANE Select); coding-DNA position 9180, A replaced by G.
Protein change: p.Lys3060=; no amino-acid change (lysine 3060 retained).
Molecular consequence: synonymous variant. On other transcripts: intron variant (68).
Genome position (GRCh38, 1-based): chr4:113,357,798, A>G. VCF-style: chr4-113357798-A-G. GRCh37 (hg19) VCF-style: chr4-114278954-A-G.
Other names: c.8946A>G, p.Lys2982= (NM_001386142.1); c.5580A>G, p.Lys1860= (NM_001386166.1); c.9321A>G, p.Lys3107= (NM_001386174.1); c.9297A>G, p.Lys3099= (NM_001386175.1); c.4412-3025A>G (NM_001386186.2, NM_001386148.2); c.4214-3025A>G (NM_001354269.3); c.4292-3025A>G (NM_001386187.2); c.4253-3025A>G (NM_001386147.1); and 35 more.
Identifiers: ClinVar variation 347339 (VCV000347339.34), dbSNP rs753698480, ClinGen allele CA3051881.

ClinVar aggregate classification (germline): Conflicting classifications of pathogenicity. Review status: criteria provided, conflicting classifications (1 of 4 stars). 4 submissions from 4 submitters: Uncertain significance (1); Likely benign (3). Last evaluated 2024-04-03.

Conditions:
Long QT syndrome (LQTS). Identifiers: MedGen C0023976, MeSH D008133, MONDO:0002442. Disease mechanism: loss of function. Inheritance: Various modes of inheritance.
Cardiac arrhythmia, ankyrin-B-related. Also called: ANKYRIN-B SYNDROME. Identifiers: Orphanet 101016, Orphanet 768, MedGen C1970119, MONDO:0010958, OMIM 600919.

Allele frequency attached by ClinVar (database versions not stated): ExAC 0.00002; gnomAD exomes 0.00003 and 0.00008; gnomAD 0.00005; TOPMed 0.00005.
gnomAD v4.1: 120 of 1,613,824 alleles (0.0074%); highest among the groups gnomAD compares: Non-Finnish European, 0.0095%; no homozygotes.

Submissions (4):

Labcorp Genetics (formerly Invitae), Labcorp
Classification: Likely benign for Long QT syndrome. Last evaluated: 2024-04-03. Review status: criteria provided, single submitter. Criteria: Invitae Variant Classification Sherloc (09022015). Collection method: clinical testing. Allele origin: germline.

Blueprint Genetics
Classification: Likely benign. Last evaluated: 2023-04-19. Review status: criteria provided, single submitter. Criteria: ACMG Guidelines, 2015. Collection method: clinical testing. Allele origin: germline.

CeGaT Center for Human Genetics Tuebingen
Classification: Likely benign. Last evaluated: 2022-10-01. Review status: criteria provided, single submitter. Criteria: CeGaT Center For Human Genetics Tuebingen Variant Classification Criteria Version 2. Collection method: clinical testing. Allele origin: germline. Affected: yes. Observed: 1 variant allele.
Comment: ANK2: BP4, BP7

Illumina Laboratory Services, Illumina
Classification: Uncertain significance for Cardiac arrhythmia, ankyrin-B-related. Last evaluated: 2018-01-12. Review status: criteria provided, single submitter. Criteria: ICSL Variant Classification Criteria 13 December 2019. Collection method: clinical testing. Allele origin: germline.